The following is an entry in ClinVar:

ClinVar aggregate classification (germline): Uncertain significance. Review status: criteria provided, multiple submitters, no conflicts (2 of 4 stars). 3 submissions from 3 submitters: Uncertain significance (3). Last evaluated 2021-11-07.

Conditions:
Microcephaly, normal intelligence and immunodeficiency (NBS). Also called: BERLIN BREAKAGE SYNDROME; Ataxia telangiectasia variant V1; IMMUNODEFICIENCY, MICROCEPHALY, AND CHROMOSOMAL INSTABILITY; SEEMANOVA SYNDROME II; Immunodeficiency, microcephaly with normal intelligence; Nijmegen breakage syndrome. Identifiers: Orphanet 647, MedGen C0398791, MONDO:0009623, OMIM 251260.
Hereditary cancer-predisposing syndrome. Also called: Tumor predisposition; Neoplastic Syndromes, Hereditary; Hereditary Cancer Syndrome; Hereditary neoplastic syndrome. Identifiers: Orphanet 140162, MedGen C0027672, MeSH D009386, MONDO:0015356.

Submissions (3):

Genome-Nilou Lab
Classification: Uncertain significance for Microcephaly, normal intelligence and immunodeficiency. Last evaluated: 2021-11-07. Review status: criteria provided, single submitter. Criteria: ACMG Guidelines, 2015. Collection method: clinical testing. Allele origin: germline. Affected: no.

Ambry Genetics
Classification: Uncertain significance for Hereditary cancer-predisposing syndrome. Last evaluated: 2021-11-05. Review status: criteria provided, single submitter. Criteria: Ambry Variant Classification Scheme 2023. Collection method: clinical testing. Allele origin: germline.
Comment: The p.H260P variant (also known as c.779A>C), located in coding exon 7 of the NBN gene, results from an A to C substitution at nucleotide position 779. The histidine at codon 260 is replaced by proline, an amino acid with similar properties. This amino acid position is conserved. In addition, this alteration is predicted to be tolerated by in silico analysis. Since supporting evidence is limited at this time, the clinical significance of this alteration remains unclear.

Labcorp Genetics (formerly Invitae), Labcorp
Classification: Uncertain significance for Microcephaly, normal intelligence and immunodeficiency. Last evaluated: 2019-01-29. Review status: criteria provided, single submitter. Criteria: Invitae Variant Classification Sherloc (09022015). Collection method: clinical testing. Allele origin: germline.
Comment: In summary, the available evidence is currently insufficient to determine the role of this variant in disease. Therefore, it has been classified as a Variant of Uncertain Significance. Algorithms developed to predict the effect of missense changes on protein structure and function (SIFT, PolyPhen-2, Align-GVGD) all suggest that this variant is likely to be tolerated, but these predictions have not been confirmed by published functional studies and their clinical significance is uncertain. This variant has not been reported in the literature in individuals with NBN-related conditions. This variant is not present in population databases (ExAC no frequency). This sequence change replaces histidine with proline at codon 260 of the NBN protein (p.His260Pro). The histidine residue is weakly conserved and there is a moderate physicochemical difference between histidine and proline.

NM_002485.5(NBN):c.779A>C (p.His260Pro)

Gene: NBN (nibrin; minus strand). Cytogenetic location: 8q21.3.
Variant type: single nucleotide variant.
Coding change: c.779A>C on transcript NM_002485.5 (MANE Select); coding-DNA position 779, A replaced by C.
Protein change: p.His260Pro; replaces histidine 260 with proline.
Molecular consequence: missense variant.
Genome position (GRCh38, 1-based): chr8:89,970,481, T>G on the plus strand (A>C on the coding strand, the complement: NBN is on the minus strand). VCF-style: chr8-89970481-T-G. GRCh37 (hg19) VCF-style: chr8-90982709-T-G.
Other names: c.533A>C, p.His178Pro (NM_001024688.3); short protein forms H260P, H178P.
Identifiers: ClinVar variation 628241 (VCV000628241.17), dbSNP rs1328090653, ClinGen allele CA371658679.